The following is an entry in ClinVar:

NM_016148.5(SHANK1):c.4318G>A (p.Ala1440Thr)

Gene: SHANK1 (SH3 and multiple ankyrin repeat domains 1; minus strand). Cytogenetic location: 19q13.33.
Variant type: single nucleotide variant.
Coding change: c.4318G>A on transcript NM_016148.5 (MANE Select); coding-DNA position 4318, G replaced by A.
Protein change: p.Ala1440Thr; replaces alanine 1440 with threonine.
Molecular consequence: missense variant.
Genome position (GRCh38, 1-based): chr19:50,667,642, C>T on the plus strand (G>A on the coding strand, the complement: SHANK1 is on the minus strand). VCF-style: chr19-50667642-C-T. GRCh37 (hg19) VCF-style: chr19-51170899-C-T.
Other names: short protein forms A1440T.
Identifiers: ClinVar variation 4086376 (VCV004086376.2).

ClinVar aggregate classification (germline): Uncertain significance (1 of 4 stars; one submission).

gnomAD v4.1: 2 of 1,410,082 alleles (0.00014%); highest among the groups gnomAD compares: Non-Finnish European, 0.00018%; no homozygotes.

Submission:

GeneDx
Classification: Uncertain significance. Last evaluated: 2026-08-06. Review status: criteria provided, single submitter. Criteria: GeneDx Variant Classification Process June 2021. Collection method: clinical testing. Allele origin: germline.
Comment: Not observed at significant frequency in large population cohorts (gnomAD); In silico analysis suggests that this missense variant does not alter protein structure/function; Has not been previously published as pathogenic or benign to our knowledge